The following is an entry in ClinVar:

ClinVar aggregate classification (germline): Likely pathogenic (1 of 4 stars; one submission).

Conditions:
Cardiovascular phenotype. Identifiers: MedGen CN230736.

Submission:

Ambry Genetics
Classification: Likely pathogenic for Cardiovascular phenotype. Last evaluated: 2022-07-11. Review status: criteria provided, single submitter. Criteria: Ambry Variant Classification Scheme 2023. Collection method: clinical testing. Allele origin: germline.
Comment: The c.832_916+11del96 variant results from a deletion of 96 nucleotides between positions 832 and 916+11 and involves the canonical splice donor site after coding exon 4 of the KCNH2 gene. This variant is considered to be rare based on population cohorts in the Genome Aggregation Database (gnomAD). The canonical splice donor site is highly conserved in available vertebrate species. In silico splice site analysis predicts that this alteration will weaken the native splice donor site and will result in the creation or strengthening of a novel splice donor site; however, the exact impact of this deletion on KCNH2 splicing and function is currently unknown. Alterations that disrupt the canonical splice site are expected to cause aberrant splicing, resulting in an abnormal protein or a transcript that is subject to nonsense-mediated mRNA decay. As such, this alteration is classified as likely pathogenic.

Literature cited by the submitters: PubMed 27920829.

NM_000238.4(KCNH2):c.832_916+11del

Gene: KCNH2 (potassium voltage-gated channel subfamily H member 2; minus strand). Cytogenetic location: 7q36.1.
Variant type: Deletion.
Coding change: c.832_916+11del on transcript NM_000238.4 (MANE Select); coding-DNA position 832 through 11 bases into the intron after coding-DNA position 916, 96 bases deleted.
Molecular consequence: splice donor variant.
Genome position (GRCh38, 1-based): chr7:150,958,048-150,958,143, 96 bases deleted. GRCh37 (hg19): chr7:150,655,141-150,655,236.
Other names: c.544_628+11del (NM_001406753.1, NM_001406756.1); c.832_916+11del (NM_172056.3); c.655_739+11del (NM_001406755.1); c.532_616+11del (NM_001406757.1).
Identifiers: ClinVar variation 1762927 (VCV001762927.2), dbSNP rs2486087544, ClinGen allele CA2580077681.